The following is an entry in ClinVar:

ClinVar aggregate classification (germline): Conflicting classifications of pathogenicity. Review status: criteria provided, conflicting classifications (1 of 4 stars). 5 submissions from 5 submitters: Likely pathogenic (1); Uncertain significance (3). 1 of the submissions does not count toward it. Last evaluated 2025-11-01.

Conditions:
TREM2-related disorder. Also called: TREM2-related condition.

Allele frequency attached by ClinVar (database versions not stated): TOPMed 0.00003; gnomAD exomes 0.00004 and 0.00006; ExAC 0.00007; gnomAD 0.00009.
gnomAD v4.1: 105 of 1,614,106 alleles (0.0065%); highest among the groups gnomAD compares: Non-Finnish European, 0.0077%; no homozygotes.

Submissions (6):

CeGaT Center for Human Genetics Tuebingen
Classification: Uncertain significance. Last evaluated: 2025-11-01. Review status: criteria provided, single submitter. Criteria: CeGaT Center For Human Genetics Tuebingen Variant Classification Criteria Version 2. Collection method: clinical testing. Allele origin: germline. Affected: yes. Observed: 1 variant allele.
Comment: TREM2: PM2:Supporting, BP4

GeneDx
Classification: Likely pathogenic. Last evaluated: 2025-01-28. Review status: criteria provided, single submitter. Criteria: GeneDx Variant Classification Process June 2021. Collection method: clinical testing. Allele origin: germline. Affected: yes.
Comment: Reported previously in patients with Alzheimer's disease and in a patient with sporadic Creutzfeldt-Jakob disease; most articles found this variant to be absent in control samples (PMID: 26021840, 27520774, 28789839, 23380991, 25160042); Published functional studies demonstrate a damaging effect and show that this variant is associated with decreased cell surface expression and decreased activation in response to ligands (PMID: 27520774); RNA studies demonstrate a damaging effect suggesting that this variant is associated with a moderate impact on splicing leading to exon 2 skipping (PMID: 38226698); In silico analysis supports that this missense variant has a deleterious effect on protein structure/function; This variant is associated with the following publications: (PMID: 34576031, 34663480, 30617257, Dijkstra2023[CaseReport], 26021840, 27520774, 29557178, 32894242, 28789839, 37330543, 39165200, 23380991, 25160042, 38226698)

Mayo Clinic Laboratories, Mayo Clinic
Classification: Uncertain significance. Last evaluated: 2023-07-18. Review status: criteria provided, single submitter. Criteria: ACMG Guidelines, 2015. Collection method: clinical testing. Allele origin: germline. Observed: 1 variant allele.
Comment: PM2_moderate

Labcorp Genetics (formerly Invitae), Labcorp
Classification: Uncertain significance. Last evaluated: 2022-05-30. Review status: criteria provided, single submitter. Criteria: Invitae Variant Classification Sherloc (09022015). Collection method: clinical testing. Allele origin: germline.
Comment: This sequence change replaces arginine, which is basic and polar, with cysteine, which is neutral and slightly polar, at codon 62 of the TREM2 protein (p.Arg62Cys). The frequency data for this variant in the population databases is considered unreliable, as metrics indicate poor data quality at this position in the gnomAD database. This missense change has been observed in individuals with autosomal recessive frontotemporal dementia and/or clinical features of autosomal dominant late-onset Alzheimer disease (PMID: 26021840, 29557178, 34663480). ClinVar contains an entry for this variant (Variation ID: 1405143). Algorithms developed to predict the effect of missense changes on protein structure and function are either unavailable or do not agree on the potential impact of this missense change (SIFT: "Deleterious"; PolyPhen-2: "Probably Damaging"; Align-GVGD: "Class C15"). Algorithms developed to predict the effect of sequence changes on RNA splicing suggest that this variant may create or strengthen a splice site. In summary, the available evidence is currently insufficient to determine the role of this variant in disease. Therefore, it has been classified as a Variant of Uncertain Significance.

PreventionGenetics, part of Exact Sciences
Classification: Uncertain significance for TREM2-related condition. Last evaluated: 2024-08-02. Review status: no assertion criteria provided. Collection method: clinical testing. Allele origin: germline. Not counted in ClinVar's aggregate classification.
Comment: The TREM2 c.184C>T variant is predicted to result in the amino acid substitution p.Arg62Cys. This variant is reported in 0.016% of alleles in individuals of European (Finnish) descent in gnomAD. This variant has also been described in multiple individuals with Alzheimer disease (Mehrjoo et al. 2015. PubMed ID: 26021840; Bellenguez et al. 2017. PubMed ID: 28789839; Peplonska et al. 2018. PubMed ID: 29557178; Olive et al. 2020. PubMed ID: 32894242). Another missense change at the same position (c.185G>A, p.Arg62His) has also been reported to increase risk for Alzheimer disease (Jin et al. 2014. PubMed ID: 24899047); however it is much more common in the population, and has been consistently classified as benign (gnomAD, ClinVar, HGMD). At this time, the clinical significance of this variant is uncertain due to the absence of conclusive functional and genetic evidence.

Dr. Peter K. Rogan Lab, Western University
No classification provided (evidence only). Condition: Colorectal cancer. Review status: no classification provided. Collection method: in vitro. Allele origin: not applicable. Functional consequence: skipped exon. Not counted in ClinVar's aggregate classification.

Literature cited by the submitters: PubMed 26021840 (cited by Mayo Clinic Laboratories, Mayo Clinic and Labcorp Genetics (formerly Invitae), Labcorp); PubMed 27520774 (cited by Mayo Clinic Laboratories, Mayo Clinic); PubMed 28789839 (cited by Mayo Clinic Laboratories, Mayo Clinic); PubMed 29557178 (cited by Mayo Clinic Laboratories, Mayo Clinic and Labcorp Genetics (formerly Invitae), Labcorp); PubMed 32894242 (cited by Mayo Clinic Laboratories, Mayo Clinic); PubMed 34663480 (cited by Mayo Clinic Laboratories, Mayo Clinic and Labcorp Genetics (formerly Invitae), Labcorp).

NM_018965.4(TREM2):c.184C>T (p.Arg62Cys)

Gene: TREM2 (triggering receptor expressed on myeloid cells 2; minus strand). Cytogenetic location: 6p21.1.
Variant type: single nucleotide variant.
Coding change: c.184C>T on transcript NM_018965.4 (MANE Select); coding-DNA position 184, C replaced by T.
Protein change: p.Arg62Cys; replaces arginine 62 with cysteine.
Molecular consequence: missense variant.
Genome position (GRCh38, 1-based): chr6:41,161,470, G>A on the plus strand (C>T on the coding strand, the complement: TREM2 is on the minus strand). VCF-style: chr6-41161470-G-A. GRCh37 (hg19) VCF-style: chr6-41129208-G-A.
Other names: p.Arg62Cys; c.184C>T, p.Arg62Cys (NM_001271821.2); c.184C>T (NM_018965.2, NM_018965.3); short protein forms R62C.
Identifiers: ClinVar variation 1405143 (VCV001405143.14), dbSNP rs201258314, ClinGen allele CA3798951.
Genomic context (GRCh38, chr6:41,161,470, plus strand): 5'-TGCTCCCATTCCACCTCCTCAGGAAGGACAGCAGCCACAAGTTGTGCGTGCTGACCACAC[G>A]CTGGCATGGGCCCTTCTCTCCCAGCTGGCGGCACCAGGCCTTGCGCCTCCCCCAGTGCTT-3'
Protein context (NP_061838.1, residues 52-72): RQLGEKGPCQ[Arg62Cys]VVSTHNLWLL